The following is an entry in ClinVar:

NM_000257.4(MYH7):c.4354-1G>T

Genes: MHRT (myosin heavy chain associated RNA transcript; plus strand), MYH7 (myosin heavy chain 7; minus strand). Cytogenetic location: 14q11.2.
Variant type: single nucleotide variant.
Coding change: c.4354-1G>T on transcript NM_000257.4 (MANE Select); the canonical splice acceptor site of the intron before coding-DNA position 4354, G replaced by T.
Molecular consequence: splice acceptor variant. On other transcripts: non-coding transcript variant (1).
Genome position (GRCh38, 1-based): chr14:23,417,319, C>A on the plus strand (G>T on the coding strand, the complement: MYH7 is on the minus strand). VCF-style: chr14-23417319-C-A. GRCh37 (hg19) VCF-style: chr14-23886528-C-A.
Other names: c.4354-1G>T (NM_001407004.1).
Identifiers: ClinVar variation 4293048 (VCV004293048.2).

ClinVar aggregate classification (germline): Uncertain significance (1 of 4 stars; one submission).

Conditions:
Hypertrophic cardiomyopathy 1 (CMH1). Also called: Familial hypertrophic cardiomyopathy 1; MYH7-Related Familial Hypertrophic Cardiomyopathy. Identifiers: MedGen C3495498, MONDO:0008647, OMIM 192600.

Submission:

3billion
Classification: Uncertain significance for Hypertrophic cardiomyopathy 1. Last evaluated: 2025-06-12. Review status: criteria provided, single submitter. Criteria: ACMG Guidelines, 2015. Collection method: clinical testing. Allele origin: germline. Affected: yes.
Comment: The variant is not observed in the gnomAD v4.1.0 dataset. Predicted Consequence/Location: Canonical splice site: Splice region variant predicted in silico to alter splicing and create an in-frame deletion. In silico tools predict the variant to alter splicing and produce an abnormal transcript [SpliceAI: 0.99 (spliceogenicity >=0.2, non-spliceogenicity <0.1)]. The variant has been reported to be associated with MYH7-related disorder (3billion dataset). However, the evidence of pathogenicity is insufficient at this time. Therefore, this variant is classified as VUS according to the recommendation of ACMG/AMP guideline.